The following is an entry in ClinVar:

NM_001370.2(DNAH6):c.12291A>G (p.Gln4097=)

Gene: DNAH6 (dynein axonemal heavy chain 6; plus strand). Cytogenetic location: 2p11.2.
Variant type: single nucleotide variant.
Coding change: c.12291A>G on transcript NM_001370.2 (MANE Select); coding-DNA position 12291, A replaced by G.
Protein change: p.Gln4097=; no amino-acid change (glutamine 4097 retained).
Molecular consequence: synonymous variant.
Genome position (GRCh38, 1-based): chr2:84,816,001, A>G. VCF-style: chr2-84816001-A-G. GRCh37 (hg19) VCF-style: chr2-85043125-A-G.
Identifiers: ClinVar variation 787768 (VCV000787768.7), dbSNP rs146806296, ClinGen allele CA1737885.

ClinVar aggregate classification (germline): Benign. Review status: criteria provided, multiple submitters, no conflicts (2 of 4 stars). 3 submissions from 3 submitters: Benign (2). 1 of the submissions does not count toward it. Last evaluated 2019-12-31.

Conditions:
DNAH6-related disorder. Also called: DNAH6-related condition.

Allele frequency attached by ClinVar (database versions not stated): gnomAD exomes 0.00035 and 0.00090; ExAC 0.00158; gnomAD 0.00413 and 0.00442; ESP Exome Variant Server 0.00416; 1000 Genomes Project 0.00419; 1000 Genomes Project 30x 0.00437; TOPMed 0.00492.
gnomAD v4.1: 1,149 of 1,551,906 alleles (0.074%); highest among the groups gnomAD compares: African/African-American, 1.4%; 8 homozygotes.

Submissions (3):

Labcorp Genetics (formerly Invitae), Labcorp
Classification: Benign. Last evaluated: 2019-12-31. Review status: criteria provided, single submitter. Criteria: Invitae Variant Classification Sherloc (09022015). Collection method: clinical testing. Allele origin: germline.

Breakthrough Genomics
Classification: Benign. Review status: criteria provided, single submitter. Criteria: ACMG Guidelines, 2015. Collection method: not provided. Allele origin: germline. Inheritance: Unknown mechanism. Affected: yes.

PreventionGenetics, part of Exact Sciences
Classification: Benign for DNAH6-related condition. Last evaluated: 2019-05-06. Review status: no assertion criteria provided. Collection method: clinical testing. Allele origin: germline. Not counted in ClinVar's aggregate classification.
Comment: This variant is classified as benign based on ACMG/AMP sequence variant interpretation guidelines (Richards et al. 2015 PMID: 25741868, with internal and published modifications).